The following is an entry in ClinVar:

NM_212482.4(FN1):c.2428+2T>C

Gene: FN1 (fibronectin 1; minus strand). Cytogenetic location: 2q35.
Variant type: single nucleotide variant.
Coding change: c.2428+2T>C on transcript NM_212482.4 (MANE Select); the canonical splice donor site of the intron after coding-DNA position 2428, T replaced by C.
Molecular consequence: splice donor variant.
Genome position (GRCh38, 1-based): chr2:215,408,296, A>G on the plus strand (T>C on the coding strand, the complement: FN1 is on the minus strand). VCF-style: chr2-215408296-A-G. GRCh37 (hg19) VCF-style: chr2-216273019-A-G.
Other names: c.2428+2T>C (NM_212474.3, NM_001306132.2, NM_001365523.2 and 13 more transcripts).
Identifiers: ClinVar variation 1059666 (VCV001059666.7), dbSNP rs113668816, ClinGen allele CA350491153.

ClinVar aggregate classification (germline): Uncertain significance (1 of 4 stars; one submission).

Submission:

Labcorp Genetics (formerly Invitae), Labcorp
Classification: Uncertain significance. Last evaluated: 2024-02-24. Review status: criteria provided, single submitter. Criteria: Invitae Variant Classification Sherloc (09022015). Collection method: clinical testing. Allele origin: germline.
Comment: This sequence change affects a donor splice site in intron 16 of the FN1 gene. It is expected to disrupt RNA splicing. Variants that disrupt the donor or acceptor splice site typically lead to a loss of protein function (PMID: 16199547), however the current clinical and genetic evidence is not sufficient to establish whether loss-of-function variants in FN1 cause disease. This variant is not present in population databases (gnomAD no frequency). This variant has not been reported in the literature in individuals affected with FN1-related conditions. ClinVar contains an entry for this variant (Variation ID: 1059666). Algorithms developed to predict the effect of sequence changes on RNA splicing suggest that this variant may disrupt the consensus splice site. In summary, the available evidence is currently insufficient to determine the role of this variant in disease. Therefore, it has been classified as a Variant of Uncertain Significance.

Literature cited by the submitters: PubMed 16199547.